The following is an entry in ClinVar:

NM_000088.4(COL1A1):c.3509G>A (p.Arg1170His)

Gene: COL1A1 (collagen type I alpha 1 chain; minus strand). Cytogenetic location: 17q21.33.
Variant type: single nucleotide variant.
Coding change: c.3509G>A on transcript NM_000088.4 (MANE Select); coding-DNA position 3509, G replaced by A.
Protein change: p.Arg1170His; replaces arginine 1170 with histidine.
Molecular consequence: missense variant.
Genome position (GRCh38, 1-based): chr17:50,187,037, C>T on the plus strand (G>A on the coding strand, the complement: COL1A1 is on the minus strand). VCF-style: chr17-50187037-C-T. GRCh37 (hg19) VCF-style: chr17-48264398-C-T.
Other names: short protein forms R1170H.
Identifiers: ClinVar variation 2070636 (VCV002070636.5), dbSNP rs993936431, ClinGen allele CA291542906.

ClinVar aggregate classification (germline): Conflicting classifications of pathogenicity. Review status: criteria provided, conflicting classifications (1 of 4 stars). 2 submissions from 2 submitters: Uncertain significance (1); Likely benign (1). Last evaluated 2025-02-13.

Conditions:
Osteogenesis imperfecta type I (OI1). Also called: Osteogenesis imperfecta type 1; Classic Non-deforming Osteogenesis Imperfecta with Blue Sclerae; OI, TYPE I; OSTEOGENESIS IMPERFECTA TARDA; OSTEOGENESIS IMPERFECTA WITH BLUE SCLERAE; Lobstein's Disease. Identifiers: Orphanet 216796, Orphanet 666, MedGen C0023931, MONDO:0008146, OMIM 166200. Disease mechanism: loss of function.

Allele frequency attached by ClinVar (database versions not stated): gnomAD exomes 0.00001; TOPMed 0.00001; gnomAD 0.00002.
gnomAD v4.1: 13 of 1,613,458 alleles (0.00081%); highest among the groups gnomAD compares: Admixed American, 0.005%; no homozygotes.

Submissions (2):

Labcorp Genetics (formerly Invitae), Labcorp
Classification: Likely benign for Osteogenesis imperfecta type I. Last evaluated: 2025-02-13. Review status: criteria provided, single submitter. Criteria: Invitae Variant Classification Sherloc (09022015). Collection method: clinical testing. Allele origin: germline.

Department of Human Genetics, University Hospital Bern, Inselspital
Classification: Uncertain significance for Osteogenesis imperfecta type I. Last evaluated: 2025-01-10. Review status: criteria provided, single submitter. Criteria: ACMG Guidelines, 2015. Collection method: clinical testing. Allele origin: germline. Inheritance: Autosomal dominant inheritance. Affected: yes. Observed: 1 variant allele.
Comment: This variant is present in population databases (gnomAD 0.0007%). ClinVar contains an entry for this variant (Variation ID: 2070636). This variant has not been reported in the literature in individuals affected with COL1A1-related conditions. This variant affects a residue of the Gly-X-Y triple helix motif. In silico prediction (REVEL) predicts a deleterious effect for this variant.

Literature cited by the submitters: PubMed 20301472 (cited by Department of Human Genetics, University Hospital Bern, Inselspital).